The following is an entry in ClinVar:

ClinVar aggregate classification (germline): Uncertain significance (1 of 4 stars; one submission).

Conditions:
Shprintzen-Goldberg syndrome (SGS). Also called: SHPRINTZEN-GOLDBERG CRANIOSYNOSTOSIS SYNDROME; CRANIOSYNOSTOSIS WITH ARACHNODACTYLY AND ABDOMINAL HERNIAS; Marfanoid disorder with craniosynostosis type 1; Marfanoid craniosynostosis syndrome; Shprintzen-Goldberg marfanoid syndrome. Identifiers: Orphanet 2462, MedGen C1321551, MONDO:0008426, OMIM 182212.

Submission:

Labcorp Genetics (formerly Invitae), Labcorp
Classification: Uncertain significance for Shprintzen-Goldberg syndrome. Last evaluated: 2025-09-15. Review status: criteria provided, single submitter. Criteria: Invitae Variant Classification Sherloc (09022015). Collection method: clinical testing. Allele origin: germline.
Comment: This sequence change affects codon 365 of the SKI mRNA. It is a 'silent' change, meaning that it does not change the encoded amino acid sequence of the SKI protein. This variant also falls at the last nucleotide of exon 2, which is part of the consensus splice site for this exon. This variant is not present in population databases (gnomAD no frequency). This variant has not been reported in the literature in individuals affected with SKI-related conditions. ClinVar contains an entry for this variant (Variation ID: 2030741). Variants that disrupt the consensus splice site are a relatively common cause of aberrant splicing (PMID: 17576681, 9536098). Algorithms developed to predict the effect of sequence changes on RNA splicing suggest that this variant may disrupt the consensus splice site. In summary, the available evidence is currently insufficient to determine the role of this variant in disease. Therefore, it has been classified as a Variant of Uncertain Significance.

Literature cited by the submitters: PubMed 17576681; PubMed 9536098.

NM_003036.4(SKI):c.1095G>A (p.Lys365=)

Gene: SKI (SKI proto-oncogene; plus strand). Cytogenetic location: 1p36.32.
Variant type: single nucleotide variant.
Coding change: c.1095G>A on transcript NM_003036.4 (MANE Select); coding-DNA position 1095, G replaced by A.
Protein change: p.Lys365=; no amino-acid change (lysine 365 retained).
Molecular consequence: synonymous variant.
Genome position (GRCh38, 1-based): chr1:2,303,103, G>A. VCF-style: chr1-2303103-G-A. GRCh37 (hg19) VCF-style: chr1-2234542-G-A.
Identifiers: ClinVar variation 2030741 (VCV002030741.4), dbSNP rs2521472924, ClinGen allele CA415774731.